The following is an entry in ClinVar:

NM_000548.5(TSC2):c.5234_5241del (p.Arg1745fs)

Gene: TSC2 (TSC complex subunit 2; plus strand). Cytogenetic location: 16p13.3.
Variant type: Deletion.
Coding change: c.5234_5241del on transcript NM_000548.5 (MANE Select); coding-DNA positions 5234 to 5241, 8 bases deleted (GCCACATC; older notation c.5234_5241delGCCACATC).
Protein change: p.Arg1745fs; shifts the reading frame from arginine 1745.
Molecular consequence: frameshift variant.
Genome position (GRCh38, 1-based): chr16:2,088,300-2,088,307, GCCACATC deleted; deleting any 8 consecutive bases within chr16:2,088,299-2,088,307 gives the same sequence; the c. name uses the placement nearest the transcript's 3' end. VCF-style (leftmost placement, unchanged base first): chr16-2088298-CCGCCACAT-C. GRCh37 (hg19) VCF-style: chr16-2138299-CCGCCACAT-C.
Other names: c.5105_5112del, p.Arg1702fs (NM_021055.3); c.5033_5040del, p.Arg1678fs (NM_001077183.3); c.5165_5172del, p.Arg1722fs (NM_001114382.3); c.4925_4932del, p.Arg1642fs (NM_001318827.2); c.4889_4896del, p.Arg1630fs (NM_001318829.2); c.4502_4509del, p.Arg1501fs (NM_001318831.2); c.5066_5073del, p.Arg1689fs (NM_001318832.2); c.5036_5043del, p.Arg1679fs (NM_001363528.2); and 2 more; short protein forms R1679fs, R1745fs, R1642fs, R1678fs, R1689fs, R1722fs, R1501fs, R1698fs.
Identifiers: ClinVar variation 859262 (VCV000859262.1), dbSNP rs2091147162, ClinGen allele CA916081800.
Genomic context (GRCh38, chr16:2,088,298, plus strand): 5'-GGTGCATCATAGCCGCTCCAACCCCACCGATATCTACCCCTCCAAGTGGATTGCCCGGCT[CCGCCACAT>C]CAAGCGGCTCCGCCAGCGGGTAGGGAATATGGGGCTCCCTCAGCGGGGTGTGCTGGCTGC-3'

ClinVar aggregate classification (germline): Pathogenic (1 of 4 stars; one submission).

Conditions:
Tuberous sclerosis 2 (TSC2). Identifiers: Orphanet 805, MedGen C1860707, MONDO:0013199, OMIM 613254.

Submission:

Labcorp Genetics (formerly Invitae), Labcorp
Classification: Pathogenic for Tuberous sclerosis 2. Last evaluated: 2019-04-29. Review status: criteria provided, single submitter. Criteria: Invitae Variant Classification Sherloc (09022015). Collection method: clinical testing. Allele origin: germline.
Comment: This sequence change results in a premature translational stop signal in the TSC2 gene (p.Arg1745Glnfs*27). While this is not anticipated to result in nonsense mediated decay, it is expected to disrupt the last 63 amino acids of the TSC2 protein. This variant is not present in population databases (ExAC no frequency). This variant has been observed to be de novo in an individual affected with tuberous sclerosis complex (Invitae). This variant disrupts amino acid residues 1746-1751 in TSC2. Deletion of these amino acids (p.His1746_Arg1751del) has been determined to be pathogenic (PMID: 10205261, 15874888, 15024740, 9829910, 11112665, 16114042, 21520333, 21309039). As a result, variants that disrupt these residues are likely to be causative of disease. For these reasons, this variant has been classified as Pathogenic.

Literature cited by the submitters: PubMed 16114042; PubMed 9829910; PubMed 15024740; PubMed 10205261; PubMed 15874888; PubMed 21309039; PubMed 11112665; PubMed 21520333.